The following is an entry in ClinVar:

NM_000183.3(HADHB):c.728A>C (p.Glu243Ala)

Gene: HADHB (hydroxyacyl-CoA dehydrogenase trifunctional multienzyme complex subunit beta; plus strand). Cytogenetic location: 2p23.3.
Variant type: single nucleotide variant.
Coding change: c.728A>C on transcript NM_000183.3 (MANE Select); coding-DNA position 728, A replaced by C.
Protein change: p.Glu243Ala; replaces glutamic acid 243 with alanine.
Molecular consequence: missense variant.
Genome position (GRCh38, 1-based): chr2:26,279,232, A>C. VCF-style: chr2-26279232-A-C. GRCh37 (hg19) VCF-style: chr2-26502100-A-C.
Other names: c.683A>C, p.Glu228Ala (NM_001281512.2); c.662A>C, p.Glu221Ala (NM_001281513.2); short protein forms E243A, E221A, E228A.
Identifiers: ClinVar variation 2327683 (VCV002327683.4), dbSNP rs1370902789, ClinGen allele CA346093029.

ClinVar aggregate classification (germline): Uncertain significance. Review status: criteria provided, multiple submitters, no conflicts (2 of 4 stars). 2 submissions from 2 submitters: Uncertain significance (2). Last evaluated 2025-10-03.

Conditions:
Mitochondrial trifunctional protein deficiency. Identifiers: Orphanet 746, MedGen C1969443, MONDO:0012172.
Inborn genetic diseases. Identifiers: MedGen C0950123, MeSH D030342.

Allele frequency attached by ClinVar (database versions not stated): TOPMed below 0.00001.
gnomAD v4.1: 11 of 1,613,402 alleles (0.00068%); highest among the groups gnomAD compares: Non-Finnish European, 0.00093%; no homozygotes.

Submissions (2):

Labcorp Genetics (formerly Invitae), Labcorp
Classification: Uncertain significance for Mitochondrial trifunctional protein deficiency. Last evaluated: 2025-10-03. Review status: criteria provided, single submitter. Criteria: Invitae Variant Classification Sherloc (09022015). Collection method: clinical testing. Allele origin: germline.
Comment: This sequence change replaces glutamic acid, which is acidic and polar, with alanine, which is neutral and non-polar, at codon 243 of the HADHB protein (p.Glu243Ala). This variant is not present in population databases (gnomAD no frequency). This variant has not been reported in the literature in individuals affected with HADHB-related conditions. ClinVar contains an entry for this variant (Variation ID: 2327683). Invitae Evidence Modeling of protein sequence and biophysical properties (such as structural, functional, and spatial information, amino acid conservation, physicochemical variation, residue mobility, and thermodynamic stability) indicates that this missense variant is not expected to disrupt HADHB protein function with a negative predictive value of 80%. In summary, the available evidence is currently insufficient to determine the role of this variant in disease. Therefore, it has been classified as a Variant of Uncertain Significance.

Ambry Genetics
Classification: Uncertain significance for Inborn genetic diseases. Last evaluated: 2025-09-22. Review status: criteria provided, single submitter. Criteria: Ambry Variant Classification Scheme 2023. Collection method: clinical testing. Allele origin: germline.